The following is an entry in ClinVar:

NM_138477.4(CDAN1):c.-8C>T

Genes: CDAN1 (codanin 1; minus strand), LOC130056933 (ATAC-STARR-seq lymphoblastoid silent region 6378; plus strand). Cytogenetic location: 15q15.2.
Variant type: single nucleotide variant.
Coding change: c.-8C>T on transcript NM_138477.4 (MANE Select); 8 bases upstream of the start codon, C replaced by T.
Molecular consequence: 5 prime UTR variant.
Genome position (GRCh38, 1-based): chr15:42,737,110, G>A on the plus strand (C>T on the coding strand, the complement: CDAN1 is on the minus strand). VCF-style: chr15-42737110-G-A. GRCh37 (hg19) VCF-style: chr15-43029308-G-A.
Identifiers: ClinVar variation 886208 (VCV000886208.6), dbSNP rs764807565, ClinGen allele CA7516489.
Genomic context (GRCh38, chr15:42,737,110, plus strand): 5'-ACGGCTGCGACCGACACCTCTTCTCGCAGCAGCGACTCCAAAACGGCCGCCATCCCGGTC[G>A]GGGCGCTCTGGGGCGACTGCGCAGGCGCCGGCGCGCCGCGGGCGGCCAGGGAGGGGCGGG-3'

ClinVar aggregate classification (germline): Uncertain significance. Review status: criteria provided, single submitter (1 of 4 stars). 2 submissions from 2 submitters: Uncertain significance (1). 1 of the submissions does not count toward it. Last evaluated 2018-01-13.

Conditions:
Congenital dyserythropoietic anemia, type I. Also called: Dyserythropoietic anemia, congenital type 1. Identifiers: Orphanet 98869, MedGen C0271933, MONDO:0020337. Disease mechanism: loss of function.
CDAN1-related disorder. Also called: CDAN1-related condition.

Allele frequency attached by ClinVar (database versions not stated): ExAC below 0.00001; TOPMed 0.00010; gnomAD exomes 0.00012.
gnomAD v4.1: 259 of 1,467,642 alleles (0.018%); highest among the groups gnomAD compares: Non-Finnish European, 0.022%; no homozygotes.

Submissions (2):

Illumina Laboratory Services, Illumina
Classification: Uncertain significance for Anemia, congenital dyserythropoietic, type 1a. Last evaluated: 2018-01-13. Review status: criteria provided, single submitter. Criteria: ICSL Variant Classification Criteria 13 December 2019. Collection method: clinical testing. Allele origin: germline.

PreventionGenetics, part of Exact Sciences
Classification: Likely benign for CDAN1-related condition. Last evaluated: 2024-02-20. Review status: no assertion criteria provided. Collection method: clinical testing. Allele origin: germline. Not counted in ClinVar's aggregate classification.
Comment: This variant is classified as likely benign based on ACMG/AMP sequence variant interpretation guidelines (Richards et al. 2015 PMID: 25741868, with internal and published modifications).